The following is an entry in ClinVar:

ClinVar aggregate classification (germline): Uncertain significance. Review status: criteria provided, multiple submitters, no conflicts (2 of 4 stars). 3 submissions from 3 submitters: Uncertain significance (3). Last evaluated 2026-03-04.

Conditions:
TRIM32-related disorder. Also called: TRIM32-related condition.
Bardet-Biedl syndrome (BBS). Identifiers: Orphanet 110, MedGen C0752166, MONDO:0015229.

Allele frequency attached by ClinVar (database versions not stated): gnomAD exomes below 0.00001; TOPMed 0.00002.
gnomAD v4.1: 4 of 1,614,114 alleles (0.00025%); highest among the groups gnomAD compares: Non-Finnish European, 0.00034%; no homozygotes.

Submissions (3):

PreventionGenetics, part of Exact Sciences
Classification: Uncertain significance for TRIM32-related condition. Last evaluated: 2026-03-04. Review status: criteria provided, single submitter. Criteria: ACMG Guidelines, 2015. Collection method: clinical testing. Allele origin: germline.
Comment: The TRIM32 c.413T>G variant is predicted to result in the amino acid substitution p.Val138Gly. To our knowledge, this variant has not been reported in the literature or in a large population database (gnomAD), indicating this variant is rare. At this time, the clinical significance of this variant is uncertain due to the absence of conclusive functional and genetic evidence.

Labcorp Genetics (formerly Invitae), Labcorp
Classification: Uncertain significance for Bardet-Biedl syndrome. Last evaluated: 2022-02-10. Review status: criteria provided, single submitter. Criteria: Invitae Variant Classification Sherloc (09022015). Collection method: clinical testing. Allele origin: germline.
Comment: This sequence change replaces valine, which is neutral and non-polar, with glycine, which is neutral and non-polar, at codon 138 of the TRIM32 protein (p.Val138Gly). This variant is not present in population databases (gnomAD no frequency). This variant has not been reported in the literature in individuals affected with TRIM32-related conditions. ClinVar contains an entry for this variant (Variation ID: 499963). Algorithms developed to predict the effect of missense changes on protein structure and function are either unavailable or do not agree on the potential impact of this missense change (SIFT: "Deleterious"; PolyPhen-2: "Benign"; Align-GVGD: "Class C35"). In summary, the available evidence is currently insufficient to determine the role of this variant in disease. Therefore, it has been classified as a Variant of Uncertain Significance.

Eurofins Ntd Llc (ga)
Classification: Uncertain significance. Last evaluated: 2017-01-17. Review status: criteria provided, single submitter. Criteria: EGL Classification Definitions 2015. Collection method: clinical testing. Allele origin: germline. Observed: 1 variant allele, 1 heterozygote.

NM_012210.4(TRIM32):c.413T>G (p.Val138Gly)

Genes: ASTN2 (astrotactin 2; minus strand), TRIM32 (tripartite motif containing 32; plus strand). Cytogenetic location: 9q33.1.
Variant type: single nucleotide variant.
Coding change: c.413T>G on transcript NM_012210.4 (MANE Select); coding-DNA position 413, T replaced by G.
Protein change: p.Val138Gly; replaces valine 138 with glycine.
Molecular consequence: missense variant. On other transcripts: intron variant (3).
Genome position (GRCh38, 1-based): chr9:116,698,155, T>G. VCF-style: chr9-116698155-T-G. GRCh37 (hg19) VCF-style: chr9-119460434-T-G.
Other names: c.413T>G, p.Val138Gly (NM_001099679.2, NM_001379048.1, NM_001379049.1 and 1 more transcripts); c.2653+27616A>C (NM_014010.5); c.2794+27616A>C (NM_001365069.1); c.2806+27616A>C (NM_001365068.1); short protein forms V138G.
Identifiers: ClinVar variation 499963 (VCV000499963.13), dbSNP rs918796736, ClinGen allele CA198769474.